The following is an entry in ClinVar:

NM_017672.6(TRPM7):c.2472_2475del (p.Asn824fs)

Gene: TRPM7 (transient receptor potential cation channel subfamily M member 7; minus strand). Cytogenetic location: 15q21.2.
Variant type: Deletion.
Coding change: c.2472_2475del on transcript NM_017672.6 (MANE Select); coding-DNA positions 2472 to 2475, 4 bases deleted (TGAA; older notation c.2472_2475delTGAA).
Protein change: p.Asn824fs; shifts the reading frame from asparagine 824.
Molecular consequence: frameshift variant. On other transcripts: non-coding transcript variant (3).
Genome position (GRCh38, 1-based): chr15:50,609,686-50,609,689, TTCA deleted on the plus strand (TGAA on the coding strand, the reverse complement: TRPM7 is on the minus strand); deleting any 4 consecutive bases within chr15:50,609,686-50,609,691 gives the same sequence; the c. name uses the placement nearest the transcript's 3' end. VCF-style (leftmost placement, unchanged base first): chr15-50609685-CTTCA-C. GRCh37 (hg19) VCF-style: chr15-50901882-CTTCA-C.
Other names: c.2472_2475del, p.Asn824fs (NM_001301212.2); short protein forms N824fs.
Identifiers: ClinVar variation 4279768 (VCV004279768.1).
Genomic context (GRCh38, chr15:50,609,685, plus strand): 5'-AAAACTTTCGCGTAATTGGAAGCTTTTTTGATTTCATTTGTATCTCCATCTCATTCTTTC[CTTCA>C]TTACTATCCAAAATCCGTACTTCTTTAAACACTTCCTAAAATTAAAAAAAAAAAAATTCT-3'

ClinVar aggregate classification (germline): Uncertain significance (1 of 4 stars; one submission).

Conditions:
TRPM7-associated neuropathological disorder.

Submission:

Clinical Genomics Laboratory, Washington University in St. Louis
Classification: Uncertain significance for TRPM7-associated neuropathological disorder. Last evaluated: 2025-05-01. Review status: criteria provided, single submitter. Criteria: ACMG Guidelines, 2015. Collection method: clinical testing. Allele origin: germline.
Comment: The TRPM7 c.2472_2475del (p.Asn824Lysfs*10) variant, to our knowledge, has not been reported in the medical literature, and this variant is absent from the general population (gnomAD v.4.1.0), indicating it is not a common variant. This variant causes a frameshift by deleting four nucleotides, leading to a premature termination codon, which is predicted to lead to nonsense-mediated decay. Due to limited information, the clinical significance of this variant is uncertain.